The following is an entry in ClinVar:

NM_017849.4(TMEM127):c.166A>G (p.Ile56Val)

Gene: TMEM127 (transmembrane protein 127; minus strand). Cytogenetic location: 2q11.2.
Variant type: single nucleotide variant.
Coding change: c.166A>G on transcript NM_017849.4 (MANE Select); coding-DNA position 166, A replaced by G.
Protein change: p.Ile56Val; replaces isoleucine 56 with valine.
Molecular consequence: missense variant.
Genome position (GRCh38, 1-based): chr2:96,265,216, T>C on the plus strand (A>G on the coding strand, the complement: TMEM127 is on the minus strand). VCF-style: chr2-96265216-T-C. GRCh37 (hg19) VCF-style: chr2-96930954-T-C.
Other names: c.166A>G, p.Ile56Val (NM_001193304.3); short protein forms I56V.
Identifiers: ClinVar variation 463841 (VCV000463841.15), dbSNP rs751779219, ClinGen allele CA1777387.

ClinVar aggregate classification (germline): Conflicting classifications of pathogenicity. Review status: criteria provided, conflicting classifications (1 of 4 stars). 4 submissions from 4 submitters: Uncertain significance (3); Likely benign (1). Last evaluated 2025-12-15.

Conditions:
Hereditary cancer-predisposing syndrome. Also called: Neoplastic Syndromes, Hereditary; Hereditary neoplastic syndrome; Tumor predisposition; Hereditary Cancer Syndrome. Identifiers: Orphanet 140162, MedGen C0027672, MeSH D009386, MONDO:0015356.
Hereditary pheochromocytoma and paraganglioma. Also called: Hereditary Paraganglioma-Pheochromocytoma Syndromes; Hereditary paragangliomas and pheochromocytomas; Hereditary pheochromocytoma-paraganglioma. Identifiers: Orphanet 29072, MedGen C4274332, MONDO:0017366.
Pheochromocytoma. Also called: MAX-Related Hereditary Paraganglioma-Pheochromocytoma Syndrome. Identifiers: Orphanet 29072, MedGen C0031511, MONDO:0008233, OMIM 171300, HP:0002666.

Allele frequency attached by ClinVar (database versions not stated): gnomAD exomes below 0.00001; ExAC 0.00001; gnomAD 0.00001; TOPMed 0.00003.
gnomAD v4.1: 8 of 1,606,474 alleles (0.0005%); highest among the groups gnomAD compares: African/African-American, 0.0027%; no homozygotes.

Submissions (4):

Labcorp Genetics (formerly Invitae), Labcorp
Classification: Uncertain significance for Hereditary pheochromocytoma and paraganglioma. Last evaluated: 2025-12-15. Review status: criteria provided, single submitter. Criteria: Invitae Variant Classification Sherloc (09022015). Collection method: clinical testing. Allele origin: germline.
Comment: This sequence change replaces isoleucine, which is neutral and non-polar, with valine, which is neutral and non-polar, at codon 56 of the TMEM127 protein (p.Ile56Val). This variant is present in population databases (rs751779219, gnomAD 0.006%). This variant has not been reported in the literature in individuals affected with TMEM127-related conditions. ClinVar contains an entry for this variant (Variation ID: 463841). An algorithm developed to predict the effect of missense changes on protein structure and function (PolyPhen-2) suggests that this variant is likely to be tolerated. In summary, the available evidence is currently insufficient to determine the role of this variant in disease. Therefore, it has been classified as a Variant of Uncertain Significance.

Ambry Genetics
Classification: Likely benign for Hereditary cancer-predisposing syndrome. Last evaluated: 2025-04-07. Review status: criteria provided, single submitter. Criteria: Ambry Variant Classification Scheme 2023. Collection method: clinical testing. Allele origin: germline.

GeneDx
Classification: Uncertain significance. Last evaluated: 2023-12-05. Review status: criteria provided, single submitter. Criteria: GeneDx Variant Classification Process June 2021. Collection method: clinical testing. Allele origin: germline. Affected: yes.
Comment: Not observed at significant frequency in large population cohorts (gnomAD); In silico analysis supports that this missense variant does not alter protein structure/function; Has not been previously published as pathogenic or benign to our knowledge

Baylor Genetics
Classification: Uncertain significance for Pheochromocytoma. Last evaluated: 2023-05-14. Review status: criteria provided, single submitter. Criteria: ACMG Guidelines, 2015. Collection method: clinical testing. Allele origin: unknown.